The following is an entry in ClinVar:

ClinVar aggregate classification (germline): Conflicting classifications of pathogenicity. Review status: criteria provided, conflicting classifications (1 of 4 stars). 3 submissions from 3 submitters: Uncertain significance (1); Likely benign (1). 1 of the submissions does not count toward it. Last evaluated 2026-02-10.

Conditions:
Inborn genetic diseases. Identifiers: MedGen C0950123, MeSH D030342.
ECM1-related disorder. Also called: ECM1-related condition.

Allele frequency attached by ClinVar (database versions not stated): 1000 Genomes Project 30x 0.00016; 1000 Genomes Project 0.00020; TOPMed 0.00026; ESP Exome Variant Server 0.00031; gnomAD exomes 0.00033 and 0.00046; gnomAD 0.00034; ExAC 0.00041.
gnomAD v4.1: 702 of 1,613,888 alleles (0.043%); highest among the groups gnomAD compares: Non-Finnish European, 0.056%; 2 homozygotes.

Submissions (6):

Ambry Genetics
Classification: Uncertain significance for Inborn genetic diseases. Last evaluated: 2026-02-10. Review status: criteria provided, single submitter. Criteria: Ambry Variant Classification Scheme 2023. Collection method: clinical testing. Allele origin: germline.
Comment: The c.386-5T>G intronic alteration consists of a T to G substitution 5 nucleotides before coding exon 6 in the ECM1 gene. Based on data from gnomAD, the G allele has an overall frequency of 0.032% (89/277808) total alleles studied. The highest observed frequency was 0.084% (6/7170) of Other alleles. In silico splice site analysis predicts that this alteration will not have any significant effect on splicing. Based on insufficient or conflicting evidence, the clinical significance of this alteration remains unclear.

Labcorp Genetics (formerly Invitae), Labcorp
Classification: Likely benign. Last evaluated: 2019-12-31. Review status: criteria provided, single submitter. Criteria: Invitae Variant Classification Sherloc (09022015). Collection method: clinical testing. Allele origin: germline.

PreventionGenetics, part of Exact Sciences
Classification: Likely benign for ECM1-related condition. Last evaluated: 2019-05-10. Review status: no assertion criteria provided. Collection method: clinical testing. Allele origin: germline. Not counted in ClinVar's aggregate classification.
Comment: This variant is classified as likely benign based on ACMG/AMP sequence variant interpretation guidelines (Richards et al. 2015 PMID: 25741868, with internal and published modifications).

Dr. Peter K. Rogan Lab, Western University
No classification provided (evidence only). Condition: Melanoma. Review status: no classification provided. Collection method: in vitro. Allele origin: not applicable. Functional consequence: retained intron. Not counted in ClinVar's aggregate classification.

Dr. Peter K. Rogan Lab, Western University
No classification provided (evidence only). Condition: Acute myeloid leukemia. Review status: no classification provided. Collection method: in vitro. Allele origin: not applicable. Functional consequence: retained intron. Not counted in ClinVar's aggregate classification.

Dr. Peter K. Rogan Lab, Western University
No classification provided (evidence only). Condition: Thyroid cancer, nonmedullary, 1. Review status: no classification provided. Collection method: in vitro. Allele origin: not applicable. Functional consequence: retained intron. Not counted in ClinVar's aggregate classification.

NM_004425.4(ECM1):c.386-5T>G

Gene: ECM1 (extracellular matrix protein 1; plus strand). Cytogenetic location: 1q21.2.
Variant type: single nucleotide variant.
Coding change: c.386-5T>G on transcript NM_004425.4 (MANE Select); 5 bases into the intron before coding-DNA position 386, T replaced by G.
Molecular consequence: intron variant.
Genome position (GRCh38, 1-based): chr1:150,510,871, T>G. VCF-style: chr1-150510871-T-G. GRCh37 (hg19) VCF-style: chr1-150483347-T-G.
Other names: NC_000001.10:g.150483347T>G; c.386-5T>G (NM_022664.3); c.467-5T>G (NM_001202858.2).
Identifiers: ClinVar variation 745883 (VCV000745883.11), dbSNP rs376927252, ClinGen allele CA1077441.